The following is an entry in ClinVar:

ClinVar aggregate classification (germline): Likely benign (1 of 4 stars; one submission).

gnomAD v4.1: 1 of 1,613,546 alleles (0.000062%); highest among the groups gnomAD compares: Admixed American, 0.0017%; no homozygotes.

Submission:

Molecular Diagnostic Laboratory for Inherited Cardiovascular Disease, Montreal Heart Institute
Classification: Likely benign. Last evaluated: 2026-03-27. Review status: criteria provided, single submitter. Criteria: ACMG Guidelines, 2015. Collection method: clinical testing. Allele origin: germline. Affected: no.
Comment: BP1

NM_001267550.2(TTN):c.97393A>G (p.Thr32465Ala)

Genes: TTN-AS1 (TTN antisense RNA 1; plus strand), TTN (titin; minus strand). Cytogenetic location: 2q31.2.
Variant type: single nucleotide variant.
Coding change: c.97393A>G on transcript NM_001267550.2 (MANE Select); coding-DNA position 97393, A replaced by G.
Protein change: p.Thr32465Ala; replaces threonine 32465 with alanine.
Molecular consequence: missense variant.
Genome position (GRCh38, 1-based): chr2:178,542,363, T>C on the plus strand (A>G on the coding strand, the complement: TTN is on the minus strand). VCF-style: chr2-178542363-T-C. GRCh37 (hg19) VCF-style: chr2-179407090-T-C.
Other names: c.92470A>G, p.Thr30824Ala (NM_001256850.1); c.70198A>G, p.Thr23400Ala (NM_003319.4); c.89689A>G, p.Thr29897Ala (NM_133378.4); c.70573A>G, p.Thr23525Ala (NM_133432.3); c.70774A>G, p.Thr23592Ala (NM_133437.4); short protein forms T23400A, T23525A, T23592A, T29897A, T30824A, T32465A.
Identifiers: ClinVar variation 4820565 (VCV004820565.1), dbSNP rs753202914.